The following is an entry in ClinVar:

ClinVar aggregate classification (germline): Likely pathogenic (1 of 4 stars; one submission).

Conditions:
Nemaline myopathy 2 (NEM2). Also called: Nemaline myopathy 2, autosomal recessive. Identifiers: MedGen C1850569, MONDO:0009725, OMIM 256030.

Submission:

Natera, Inc.
Classification: Likely pathogenic for Nemaline myopathy type 2. Last evaluated: 2024-06-06. Review status: criteria provided, single submitter. Criteria: Natera Variant Classification Schema (03/2026). Collection method: clinical testing. Allele origin: germline.
Comment: The c.12154C>T variant in NEB is a nonsense variant predicted to introduce a stop codon at amino acid 4052. This variant is expected to result in nonsense mediated decay, truncation, or a dysfunctional protein product. This variant is rare in the general population with a frequency below the threshold expected for the associated phenotype(s). Given the available evidence, this variant is classified as Likely Pathogenic.

NM_001164508.2(NEB):c.12154C>T (p.Gln4052Ter)

Gene: NEB (nebulin; minus strand). Cytogenetic location: 2q23.3.
Variant type: single nucleotide variant.
Coding change: c.12154C>T on transcript NM_001164508.2 (MANE Select); coding-DNA position 12154, C replaced by T.
Protein change: p.Gln4052Ter; replaces glutamine 4052 with a stop codon.
Molecular consequence: nonsense.
Genome position (GRCh38, 1-based): chr2:151,609,985, G>A on the plus strand (C>T on the coding strand, the complement: NEB is on the minus strand). VCF-style: chr2-151609985-G-A. GRCh37 (hg19) VCF-style: chr2-152466499-G-A.
Other names: c.12154C>T, p.Gln4052Ter (NM_001164507.2, NM_001271208.2); c.11425C>T, p.Gln3809Ter (NM_004543.5); short protein forms Q3809*, Q4052*.
Identifiers: ClinVar variation 4814710 (VCV004814710.1).
Genomic context (GRCh38, chr2:151,609,985, plus strand): 5'-TCTTGGCCAGCAAGATGCTTAACATGTCCACTGGGCTAGAGAACTTGGTTTTCCACTTTT[G>A]GAATTCCTTCTTGTACTCCCTTTCACTTTGAATTTTTCCTGCATGTATGGCACACATAAT-3'